The following is an entry in ClinVar:

ClinVar aggregate classification (germline): Uncertain significance. Review status: criteria provided, multiple submitters, no conflicts (2 of 4 stars). 2 submissions from 2 submitters: Uncertain significance (2). Last evaluated 2025-07-14.

Conditions:
Familial hemiplegic migraine. Identifiers: MedGen C0338484, MONDO:0000700.

Allele frequency attached by ClinVar (database versions not stated): ExAC 0.00001; gnomAD exomes 0.00001 and 0.00003; TOPMed 0.00001.
gnomAD v4.1: 42 of 1,614,214 alleles (0.0026%); highest among the groups gnomAD compares: Non-Finnish European, 0.0036%; no homozygotes.

Submissions (2):

Labcorp Genetics (formerly Invitae), Labcorp
Classification: Uncertain significance for Familial hemiplegic migraine. Last evaluated: 2025-07-14. Review status: criteria provided, single submitter. Criteria: Invitae Variant Classification Sherloc (09022015). Collection method: clinical testing. Allele origin: germline.
Comment: This sequence change replaces glycine, which is neutral and non-polar, with aspartic acid, which is acidic and polar, at codon 565 of the ATP1A2 protein (p.Gly565Asp). This variant is present in population databases (rs759225094, gnomAD 0.003%). This variant has not been reported in the literature in individuals affected with ATP1A2-related conditions. ClinVar contains an entry for this variant (Variation ID: 1020311). Invitae Evidence Modeling of protein sequence and biophysical properties (such as structural, functional, and spatial information, amino acid conservation, physicochemical variation, residue mobility, and thermodynamic stability) has been performed for this missense variant. However, the output from this modeling did not meet the statistical confidence thresholds required to predict the impact of this variant on ATP1A2 protein function. In summary, the available evidence is currently insufficient to determine the role of this variant in disease. Therefore, it has been classified as a Variant of Uncertain Significance.

GeneDx
Classification: Uncertain significance. Last evaluated: 2025-04-25. Review status: criteria provided, single submitter. Criteria: GeneDx Variant Classification Process June 2021. Collection method: clinical testing. Allele origin: germline. Affected: yes.
Comment: Not observed at significant frequency in large population cohorts (gnomAD); In silico analysis supports that this missense variant has a deleterious effect on protein structure/function; Has not been previously published as pathogenic or benign to our knowledge; This variant is associated with the following publications: (PMID: 18184292)

NM_000702.4(ATP1A2):c.1694G>A (p.Gly565Asp)

Gene: ATP1A2 (ATPase Na+/K+ transporting subunit alpha 2; plus strand). Cytogenetic location: 1q23.2.
Variant type: single nucleotide variant.
Coding change: c.1694G>A on transcript NM_000702.4 (MANE Select); coding-DNA position 1694, G replaced by A.
Protein change: p.Gly565Asp; replaces glycine 565 with aspartic acid.
Molecular consequence: missense variant.
Genome position (GRCh38, 1-based): chr1:160,130,464, G>A. VCF-style: chr1-160130464-G-A. GRCh37 (hg19) VCF-style: chr1-160100254-G-A.
Other names: short protein forms G565D.
Identifiers: ClinVar variation 1020311 (VCV001020311.11), dbSNP rs759225094, ClinGen allele CA1194562.
Genomic context (GRCh38, chr1:160,130,464, plus strand): 5'-CCTTCTGCCCCCCTTTAGGATTCTGTCAACTGAATCTGCCATCTGGAAAGTTTCCTCGGG[G>A]CTTCAAATTCGACACGGATGAGCTGAACTTTCCCACGGAGAAGCTTTGCTTTGTGGGGCT-3'
Protein context (NP_000693.1, residues 555-575): LNLPSGKFPR[Gly565Asp]FKFDTDELNF